The following is an entry in ClinVar:

NM_005670.4(EPM2A):c.303_476+1del

Gene: EPM2A (EPM2A glucan phosphatase, laforin; minus strand). Cytogenetic location: 6q24.3.
Variant type: Deletion.
Coding change: c.303_476+1del on transcript NM_005670.4 (MANE Select); coding-DNA position 303 through the canonical splice donor site of the intron after coding-DNA position 476, 175 bases deleted.
Molecular consequence: splice acceptor variant, splice donor variant. On other transcripts: initiator codon variant (3).
Genome position (GRCh38, 1-based): chr6:145,686,121-145,686,295, 175 bases deleted. GRCh37 (hg19): chr6:146,007,260-146,007,434.
Other names: c.-112_62+1del (NM_001360064.2, NM_001368131.1, NM_001360071.2); c.303_476+1del (NM_001360057.2, NM_001018041.2, NM_001368130.1); c.-321_-148+1del (NM_001368129.2, NM_001368132.1).
Identifiers: ClinVar variation 205446 (VCV000205446.2), dbSNP rs1554263318, ClinGen allele CA314524.

ClinVar aggregate classification (germline): Pathogenic (1 of 4 stars; one submission).

Submission:

GeneDx
Classification: Pathogenic. Last evaluated: 2014-01-27. Review status: criteria provided, single submitter. Criteria: GeneDx Variant Classification (06012015). Collection method: clinical testing. Allele origin: germline. Affected: yes.
Comment: Intragenic homozygous deletion including exon 2 of the EPM2A gene [transcript NM_005670.3]. Genomic coordinates: chr6:146,006,924-146,007,607 [hg19/GRCh37]. Mutations in the EPM2A gene cause autosomal recessive Lafora disease (LD), which is characterized by progressive myoclonus, seizures, and neurological degeneration beginning in late childhood or adolescence (Jansen et al., 2011; Singh et al., 2008). Many seizure types have been reported in individuals with LD, including myoclonic, generalized tonic-clonic, absence, atonic, occipital, and focal seizures (Jansen et al., 2011). As the disease progresses dysarthria, ataxia, visual hallucinations, psychosis, dementia, respiratory failure, and myopathy are observed (Jansen et al., 2011; Singh et al., 2008; Ganesh et al., 2002). Some individuals have been reported with an atypical presentation characterized by the onset of learning difficulties or intellectual disability in early childhood and a more severe seizure phenotype (Ganesh et al., 2002). Individuals with LD typically have periodic acid-Schiff-positive (PAS+) polyglucosan inclusion bodies (called Lafora bodies) in neurons, skeletal muscle, skin, and other tissues, although some patients with EPM2A mutations may not have detectable Lafora bodies in skin (Jansen et al., 2011; Lesca et al., 2010). The variant is found in PME-EPI panel(s).